The following is an entry in ClinVar:

ClinVar aggregate classification (germline): Uncertain significance (1 of 4 stars; one submission).

Conditions:
Emery-Dreifuss muscular dystrophy 5, autosomal dominant (EDMD5). Also called: EMERY-DREIFUSS MUSCULAR DYSTROPHY 5. Identifiers: Orphanet 261, MedGen C2751805, MONDO:0013072, OMIM 612999.

Allele frequency attached by ClinVar (database versions not stated): gnomAD exomes below 0.00001; TOPMed 0.00001.
gnomAD v4.1: 1 of 1,614,234 alleles (0.000062%); highest among the groups gnomAD compares: Non-Finnish European, 0.000085%; no homozygotes.

Submission:

Labcorp Genetics (formerly Invitae), Labcorp
Classification: Uncertain significance for Emery-Dreifuss muscular dystrophy 5, autosomal dominant. Last evaluated: 2022-08-27. Review status: criteria provided, single submitter. Criteria: Invitae Variant Classification Sherloc (09022015). Collection method: clinical testing. Allele origin: germline.
Comment: In summary, the available evidence is currently insufficient to determine the role of this variant in disease. Therefore, it has been classified as a Variant of Uncertain Significance. Algorithms developed to predict the effect of missense changes on protein structure and function output the following: SIFT: "Tolerated"; PolyPhen-2: "Benign"; Align-GVGD: "Class C0". The glycine amino acid residue is found in multiple mammalian species, which suggests that this missense change does not adversely affect protein function. This variant has not been reported in the literature in individuals affected with SYNE2-related conditions. This variant is not present in population databases (gnomAD no frequency). This sequence change replaces aspartic acid, which is acidic and polar, with glycine, which is neutral and non-polar, at codon 3613 of the SYNE2 protein (p.Asp3613Gly).

NM_182914.3(SYNE2):c.10838A>G (p.Asp3613Gly)

Gene: SYNE2 (spectrin repeat containing nuclear envelope protein 2; plus strand). Cytogenetic location: 14q23.2.
Variant type: single nucleotide variant.
Coding change: c.10838A>G on transcript NM_182914.3 (MANE Select); coding-DNA position 10838, A replaced by G.
Protein change: p.Asp3613Gly; replaces aspartic acid 3613 with glycine.
Molecular consequence: missense variant.
Genome position (GRCh38, 1-based): chr14:64,074,108, A>G. VCF-style: chr14-64074108-A-G. GRCh37 (hg19) VCF-style: chr14-64540826-A-G.
Other names: c.10838A>G, p.Asp3613Gly (NM_015180.6); short protein forms D3613G.
Identifiers: ClinVar variation 2141031 (VCV002141031.4), dbSNP rs2097436626, ClinGen allele CA389937893.